The following is an entry in ClinVar:

NM_020937.2:c.4143_4144insAlu

Gene: FANCM (FA complementation group M; plus strand). Cytogenetic location: 14q21.2.
Variant type: Insertion.
Identifiers: ClinVar variation 870300 (VCV000870300.1).

ClinVar aggregate classification (germline): Pathogenic (1 of 4 stars; one submission).

Conditions:
Fanconi anemia (FA). Also called: Fanconi's anemia. Identifiers: Orphanet 84, MedGen C0015625, MeSH D005199, MONDO:0019391.

Submission:

Labcorp Genetics (formerly Invitae), Labcorp
Classification: Pathogenic for Fanconi anemia. Last evaluated: 2019-04-23. Review status: criteria provided, single submitter. Criteria: Invitae Variant Classification Sherloc (09022015). Collection method: clinical testing. Allele origin: germline.
Comment: This sequence change inserts a large fragment of DNA, likely a transposable element, in exon 14 of the FANCM gene (c.4143_4144insAlu), causing a frameshift at codon 1382 (p.Asp1382fs). The exact size and sequence of the insertion cannot be determined by the current assay. However, the insertion is expected to result in an absent or disrupted protein product. Similar retrotransposon insertions have not been reported in the literature in individuals with FANCM-related conditions. Retrotransposon insertions including LINE1 (L1), Alu, and SVA (SINE-VNTR-Alu) have been reported to be disease-causing through disruption of either a coding region or splice site (PMID: 19763152, 20307669, 22406018) and loss-of-function variants in FANCM are known to be pathogenic (PMID: 29895858, 30075111). For these reasons, this variant has been classified as Pathogenic.

Literature cited by the submitters: PubMed 20307669; PubMed 30075111; PubMed 22406018; PubMed 29895858; PubMed 19763152.